The following is an entry in ClinVar:

ClinVar aggregate classification (germline): Uncertain significance (1 of 4 stars; one submission).

Submission:

Labcorp Genetics (formerly Invitae), Labcorp
Classification: Uncertain significance. Last evaluated: 2024-10-25. Review status: criteria provided, single submitter. Criteria: Invitae Variant Classification Sherloc (09022015). Collection method: clinical testing. Allele origin: germline.
Comment: This sequence change replaces serine, which is neutral and polar, with asparagine, which is neutral and polar, at codon 102 of the SAMD11 protein (p.Ser102Asn). This variant also falls at the last nucleotide of exon 4, which is part of the consensus splice site for this exon. This variant is not present in population databases (gnomAD no frequency). This variant has not been reported in the literature in individuals affected with SAMD11-related conditions. ClinVar contains an entry for this variant (Variation ID: 2022979). An algorithm developed to predict the effect of missense changes on protein structure and function (PolyPhen-2) suggests that this variant is likely to be tolerated. Variants that disrupt the consensus splice site are a relatively common cause of aberrant splicing (PMID: 17576681, 9536098). Algorithms developed to predict the effect of sequence changes on RNA splicing suggest that this variant may disrupt the consensus splice site. In summary, the available evidence is currently insufficient to determine the role of this variant in disease. Therefore, it has been classified as a Variant of Uncertain Significance.

Literature cited by the submitters: PubMed 17576681; PubMed 9536098.

NM_001385641.1(SAMD11):c.842G>A (p.Ser281Asn)

Gene: SAMD11 (sterile alpha motif domain containing 11; plus strand). Cytogenetic location: 1p36.33.
Variant type: single nucleotide variant.
Coding change: c.842G>A on transcript NM_001385641.1 (MANE Select); coding-DNA position 842, G replaced by A.
Protein change: p.Ser281Asn; replaces serine 281 with asparagine.
Molecular consequence: missense variant.
Genome position (GRCh38, 1-based): chr1:931,089, G>A. VCF-style: chr1-931089-G-A. GRCh37 (hg19) VCF-style: chr1-866469-G-A.
Other names: c.842G>A, p.Ser281Asn (NM_001385640.1); c.305G>A, p.Ser102Asn (NM_152486.4); short protein forms S102N, S281N.
Identifiers: ClinVar variation 2022979 (VCV002022979.4), dbSNP rs2522629026, ClinGen allele CA337793907.